The following is an entry in ClinVar:

ClinVar aggregate classification (germline): Conflicting classifications of pathogenicity. Review status: criteria provided, conflicting classifications (1 of 4 stars). 4 submissions from 4 submitters: Uncertain significance (3); Likely benign (1). Last evaluated 2025-01-06.

Conditions:
Inborn genetic diseases. Identifiers: MedGen C0950123, MeSH D030342.

Allele frequency attached by ClinVar (database versions not stated): TOPMed below 0.00001; gnomAD 0.00001.
gnomAD v4.1: 1 of 1,613,578 alleles (0.000062%); highest among the groups gnomAD compares: Admixed American, 0.0017%; no homozygotes.

Submissions (4):

Ambry Genetics
Classification: Uncertain significance for Inborn genetic diseases. Last evaluated: 2025-01-06. Review status: criteria provided, single submitter. Criteria: Ambry Variant Classification Scheme 2023. Collection method: clinical testing. Allele origin: germline.
Comment: The p.L1399S variant (also known as c.4196T>C), located in coding exon 1 of the SAMD9L gene, results from a T to C substitution at nucleotide position 4196. The leucine at codon 1399 is replaced by serine, an amino acid with dissimilar properties. This amino acid position is conserved. In addition, this alteration is predicted to be tolerated by in silico analysis. Based on the available evidence, the clinical significance of this variant remains unclear.

Labcorp Genetics (formerly Invitae), Labcorp
Classification: Uncertain significance. Last evaluated: 2024-12-12. Review status: criteria provided, single submitter. Criteria: Invitae Variant Classification Sherloc (09022015). Collection method: clinical testing. Allele origin: germline.
Comment: This sequence change replaces leucine, which is neutral and non-polar, with serine, which is neutral and polar, at codon 1399 of the SAMD9L protein (p.Leu1399Ser). This variant is not present in population databases (gnomAD no frequency). This variant has not been reported in the literature in individuals affected with SAMD9L-related conditions. ClinVar contains an entry for this variant (Variation ID: 1806498). Invitae Evidence Modeling of protein sequence and biophysical properties (such as structural, functional, and spatial information, amino acid conservation, physicochemical variation, residue mobility, and thermodynamic stability) indicates that this missense variant is not expected to disrupt SAMD9L protein function with a negative predictive value of 80%. In summary, the available evidence is currently insufficient to determine the role of this variant in disease. Therefore, it has been classified as a Variant of Uncertain Significance.

Blueprint Genetics
Classification: Likely benign. Last evaluated: 2024-10-08. Review status: criteria provided, single submitter. Criteria: ACMG Guidelines, 2015. Collection method: clinical testing. Allele origin: germline.

GeneDx
Classification: Uncertain significance. Last evaluated: 2022-06-23. Review status: criteria provided, single submitter. Criteria: GeneDx Variant Classification Process June 2021. Collection method: clinical testing. Allele origin: germline. Affected: yes.
Comment: Not observed at significant frequency in large population cohorts (gnomAD); In silico analysis supports that this missense variant does not alter protein structure/function; Has not been previously published as pathogenic or benign to our knowledge

NM_152703.5(SAMD9L):c.4196T>C (p.Leu1399Ser)

Gene: SAMD9L (sterile alpha motif domain containing 9 like; minus strand). Cytogenetic location: 7q21.2.
Variant type: single nucleotide variant.
Coding change: c.4196T>C on transcript NM_152703.5 (MANE Select); coding-DNA position 4196, T replaced by C.
Protein change: p.Leu1399Ser; replaces leucine 1399 with serine.
Molecular consequence: missense variant.
Genome position (GRCh38, 1-based): chr7:93,131,776, A>G on the plus strand (T>C on the coding strand, the complement: SAMD9L is on the minus strand). VCF-style: chr7-93131776-A-G. GRCh37 (hg19) VCF-style: chr7-92761089-A-G.
Other names: c.4196T>C, p.Leu1399Ser (NM_001303496.3, NM_001303497.3, NM_001303498.3 and 5 more transcripts); c.4196T>C (NM_152703.2); short protein forms L1399S.
Identifiers: ClinVar variation 1806498 (VCV001806498.5), dbSNP rs1378933257, ClinGen allele CA368175920.